The following is an entry in ClinVar:

NM_001393982.1(ANKRD36C):c.4998C>A (p.Ile1666=)

Gene: ANKRD36C (ankyrin repeat domain 36C; minus strand). Cytogenetic location: 2q11.1.
Variant type: single nucleotide variant.
Coding change: c.4998C>A on transcript NM_001393982.1 (MANE Select); coding-DNA position 4998, C replaced by A.
Protein change: p.Ile1666=; no amino-acid change (isoleucine 1666 retained).
Molecular consequence: synonymous variant.
Genome position (GRCh38, 1-based): chr2:95,857,414, G>T on the plus strand (C>A on the coding strand, the complement: ANKRD36C is on the minus strand). VCF-style: chr2-95857414-G-T. GRCh37 (hg19) VCF-style: chr2-96523162-G-T.
Other names: c.5073C>A, p.Ile1691= (NM_001310154.3).
Identifiers: ClinVar variation 2651128 (VCV002651128.24), dbSNP rs549237245, ClinGen allele CA1773488.

ClinVar aggregate classification (germline): Likely benign (1 of 4 stars; one submission).

Allele frequency attached by ClinVar (database versions not stated): ExAC 0.00158; 1000 Genomes Project 30x 0.00640.

Submission:

CeGaT Center for Human Genetics Tuebingen
Classification: Likely benign. Last evaluated: 2023-04-01. Review status: criteria provided, single submitter. Criteria: CeGaT Center For Human Genetics Tuebingen Variant Classification Criteria Version 2. Collection method: clinical testing. Allele origin: germline. Affected: yes. Observed: 1 variant allele.
Comment: ANKRD36C: BP4, BP7, BS2